The following is an entry in ClinVar:

ClinVar aggregate classification (germline): Uncertain significance (1 of 4 stars; one submission).

Conditions:
Developmental and epileptic encephalopathy. Identifiers: MedGen C5779964, MONDO:0100620.

Allele frequency attached by ClinVar (database versions not stated): gnomAD 0.00001.
gnomAD v4.1: 7 of 1,613,734 alleles (0.00043%); highest among the groups gnomAD compares: Admixed American, 0.01%; no homozygotes.

Submission:

Labcorp Genetics (formerly Invitae), Labcorp
Classification: Uncertain significance for Early-infantile DEE. Last evaluated: 2022-12-07. Review status: criteria provided, single submitter. Criteria: Invitae Variant Classification Sherloc (09022015). Collection method: clinical testing. Allele origin: germline.
Comment: In summary, the available evidence is currently insufficient to determine the role of this variant in disease. Therefore, it has been classified as a Variant of Uncertain Significance. Algorithms developed to predict the effect of missense changes on protein structure and function (SIFT, PolyPhen-2, Align-GVGD) all suggest that this variant is likely to be tolerated. This variant has not been reported in the literature in individuals affected with CACNA2D2-related conditions. This variant is present in population databases (rs764694236, gnomAD 0.01%). This sequence change replaces arginine, which is basic and polar, with glycine, which is neutral and non-polar, at codon 927 of the CACNA2D2 protein (p.Arg927Gly).

NM_006030.4(CACNA2D2):c.2779C>G (p.Arg927Gly)

Genes: CACNA2D2 (calcium voltage-gated channel auxiliary subunit alpha2delta 2; minus strand), LOC101928965 (uncharacterized LOC101928965; plus strand), LOC127898564 (CYB561D2-LOC101928965; plus strand). Cytogenetic location: 3p21.31.
Variant type: single nucleotide variant.
Coding change: c.2779C>G on transcript NM_006030.4 (MANE Select); coding-DNA position 2779, C replaced by G.
Protein change: p.Arg927Gly; replaces arginine 927 with glycine.
Molecular consequence: missense variant. On other transcripts: non-coding transcript variant (1).
Genome position (GRCh38, 1-based): chr3:50,366,094, G>C on the plus strand (C>G on the coding strand, the complement: CACNA2D2 is on the minus strand). VCF-style: chr3-50366094-G-C. GRCh37 (hg19) VCF-style: chr3-50403525-G-C.
Other names: c.2779C>G, p.Arg927Gly (NM_001005505.3); c.2800C>G, p.Arg934Gly (NM_001174051.3); c.2572C>G, p.Arg858Gly (NM_001291101.1); c.2782C>G, p.Arg928Gly (NM_001410768.1); short protein forms R858G, R934G, R927G, R928G.
Identifiers: ClinVar variation 2895521 (VCV002895521.2), dbSNP rs764694236, ClinGen allele CA2418371.